The following is an entry in ClinVar:

ClinVar aggregate classification (germline): Likely pathogenic (1 of 4 stars; one submission).

Conditions:
Primary ciliary dyskinesia 5. Also called: CILIARY DYSKINESIA, PRIMARY, 5, WITHOUT SITUS INVERSUS. Identifiers: Orphanet 244, MedGen C1837615, MONDO:0012088, OMIM 608647.

Submission:

Igenomix - Part of Vitrolife Group, Igenomix
Classification: Likely pathogenic for Primary ciliary dyskinesia 5. Review status: criteria provided, single submitter. Criteria: ACMG Guidelines, 2015. Collection method: clinical testing. Allele origin: germline. Inheritance: Autosomal recessive inheritance. Affected: no.
Comment: The HYDIN variant (NM_001270974.2:c.12721C>T, p.Gln4241Ter) results in a premature termination codon, predicted to cause a truncation of the encoded protein or absence of the protein due to nonsense-mediated decay, which is commonly known mechanisms for disease (PVS1). Truncations downstream of this position have been classified as pathogenic. This variant is absent in the gnomAD v4.1.0 (PM2). To our knowledge, no experimental evidence demonstrating an impact on protein function has been reported. Based on the evidence outlined above, the variant was classified as likely pathogenic. This variant was detected in the heterozygous state through carrier screening.

NM_001270974.2(HYDIN):c.12721C>T (p.Gln4241Ter)

Gene: HYDIN (HYDIN axonemal central pair apparatus protein; minus strand). Cytogenetic location: 16q22.2.
Variant type: single nucleotide variant.
Coding change: c.12721C>T on transcript NM_001270974.2 (MANE Select); coding-DNA position 12721, C replaced by T.
Protein change: p.Gln4241Ter; replaces glutamine 4241 with a stop codon.
Molecular consequence: nonsense.
Genome position (GRCh38, 1-based): chr16:70,849,878, G>A on the plus strand (C>T on the coding strand, the complement: HYDIN is on the minus strand). VCF-style: chr16-70849878-G-A. GRCh37 (hg19) VCF-style: chr16-70883781-G-A.
Other names: short protein forms Q4241*.
Identifiers: ClinVar variation 3336671 (VCV003336671.1).